The following is an entry in ClinVar:

NM_000179.3(MSH6):c.2105C>A (p.Ser702Ter)

Gene: MSH6 (mutS homolog 6; plus strand). Cytogenetic location: 2p16.3.
Variant type: single nucleotide variant.
Coding change: c.2105C>A on transcript NM_000179.3 (MANE Select); coding-DNA position 2105, C replaced by A.
Protein change: p.Ser702Ter; replaces serine 702 with a stop codon.
Molecular consequence: nonsense.
Genome position (GRCh38, 1-based): chr2:47,800,088, C>A. VCF-style: chr2-47800088-C-A. GRCh37 (hg19) VCF-style: chr2-48027227-C-A.
Other names: c.1715C>A, p.Ser572Ter (NM_001281492.2); c.1199C>A, p.Ser400Ter (NM_001281493.2, NM_001281494.2, NM_001406811.1 and 6 more transcripts); c.2201C>A, p.Ser734Ter (NM_001406795.1, NM_001406802.1); c.2105C>A, p.Ser702Ter (NM_001406796.1, NM_001406798.1, NM_001406800.1 and 3 more transcripts); c.1808C>A, p.Ser603Ter (NM_001406797.1, NM_001406801.1, NM_001406805.1 and 10 more transcripts); c.1580C>A, p.Ser527Ter (NM_001406799.1, NM_001406806.1, NM_001406807.1); c.2027C>A, p.Ser676Ter (NM_001406804.1); c.2111C>A, p.Ser704Ter (NM_001406813.1); and 1 more; short protein forms S646*, S527*, S572*, S676*, S603*, S704*, S400*, S702*.
Identifiers: ClinVar variation 1785976 (VCV001785976.8), dbSNP rs63751419, ClinGen allele CA346750921.
Genomic context (GRCh38, chr2:47,800,088, plus strand): 5'-CTGCTCTAGGTGGTTGTGTCTTCTACCTCAAAAAATGCCTTATTGATCAGGAGCTTTTAT[C>A]AATGGCTAATTTTGAAGAATATATTCCCTTGGATTCTGACACAGTCAGCACTACAAGATC-3'

ClinVar aggregate classification (germline): Pathogenic. Review status: criteria provided, multiple submitters, no conflicts (2 of 4 stars). 2 submissions from 2 submitters: Pathogenic (2). Last evaluated 2025-01-25.

Conditions:
Hereditary nonpolyposis colorectal neoplasms. Identifiers: MedGen C0009405, MeSH D003123.
Hereditary cancer-predisposing syndrome. Also called: Neoplastic Syndromes, Hereditary; Tumor predisposition; Hereditary Cancer Syndrome; Hereditary neoplastic syndrome. Identifiers: Orphanet 140162, MedGen C0027672, MeSH D009386, MONDO:0015356.

Allele frequency attached by ClinVar (database versions not stated): gnomAD exomes below 0.00001; TOPMed below 0.00001.
gnomAD v4.1: 1 of 1,614,104 alleles (0.000062%); highest among the groups gnomAD compares: Non-Finnish European, 0.000085%; no homozygotes.

Submissions (2):

Ambry Genetics
Classification: Pathogenic for Hereditary cancer-predisposing syndrome. Last evaluated: 2025-01-25. Review status: criteria provided, single submitter. Criteria: Ambry Variant Classification Scheme 2023. Collection method: clinical testing. Allele origin: germline.
Comment: The p.S702* pathogenic mutation (also known as c.2105C>A), located in coding exon 4 of the MSH6 gene, results from a C to A substitution at nucleotide position 2105. This changes the amino acid from a serine to a stop codon within coding exon 4. This variant has been reported in an individual with Lynch syndrome (Plaschke J et al. Hum Mutat, 2004 Mar;23:285). This alteration is expected to result in loss of function by premature protein truncation or nonsense-mediated mRNA decay. As such, this alteration is interpreted as a disease-causing mutation.

Labcorp Genetics (formerly Invitae), Labcorp
Classification: Pathogenic for Hereditary nonpolyposis colorectal neoplasms. Last evaluated: 2021-12-17. Review status: criteria provided, single submitter. Criteria: Invitae Variant Classification Sherloc (09022015). Collection method: clinical testing. Allele origin: germline.
Comment: This premature translational stop signal has been observed in individual(s) with Lynch syndrome (PMID: 14974087). For these reasons, this variant has been classified as Pathogenic. This variant is not present in population databases (gnomAD no frequency). This sequence change creates a premature translational stop signal (p.Ser702*) in the MSH6 gene. It is expected to result in an absent or disrupted protein product. Loss-of-function variants in MSH6 are known to be pathogenic (PMID: 18269114, 24362816).

Literature cited by the submitters: PubMed 14974087 (cited by Ambry Genetics and Labcorp Genetics (formerly Invitae), Labcorp); PubMed 18269114 (cited by Labcorp Genetics (formerly Invitae), Labcorp); PubMed 24362816 (cited by Labcorp Genetics (formerly Invitae), Labcorp).